The following is an entry in ClinVar:

NM_016292.3(TRAP1):c.493C>G (p.Gln165Glu)

Gene: TRAP1 (TNF receptor associated protein 1; minus strand). Cytogenetic location: 16p13.3.
Variant type: single nucleotide variant.
Coding change: c.493C>G on transcript NM_016292.3 (MANE Select); coding-DNA position 493, C replaced by G.
Protein change: p.Gln165Glu; replaces glutamine 165 with glutamic acid.
Molecular consequence: missense variant.
Genome position (GRCh38, 1-based): chr16:3,679,769, G>C on the plus strand (C>G on the coding strand, the complement: TRAP1 is on the minus strand). VCF-style: chr16-3679769-G-C. GRCh37 (hg19) VCF-style: chr16-3729770-G-C.
Other names: c.334C>G, p.Gln112Glu (NM_001272049.2); short protein forms Q112E, Q165E.
Identifiers: ClinVar variation 2061107 (VCV002061107.4), dbSNP rs151231225, ClinGen allele CA7868640.
Genomic context (GRCh38, chr16:3,679,769, plus strand): 5'-CCACGCTTACCTTTGACCCCGATCTGGCAATCGTCCCCAGGTTGGACACCAGCTCTTCCT[G>C]TGTCATCCCGATACCAGTATCCTGAGGAGAGAGACGCACTAAGTGCCAAGCCCCCAGCAC-3'
Protein context (NP_057376.2, residues 155-175): TIQDTGIGMT[Gln165Glu]EELVSNLGTI

ClinVar aggregate classification (germline): Uncertain significance (1 of 4 stars; one submission).

Allele frequency attached by ClinVar (database versions not stated): TOPMed 0.00028; gnomAD 0.00029; ESP Exome Variant Server 0.00038.
gnomAD v4.1: 556 of 1,614,108 alleles (0.034%); highest among the groups gnomAD compares: Middle Eastern, 0.16%; 2 homozygotes.

Submission:

Labcorp Genetics (formerly Invitae), Labcorp
Classification: Uncertain significance. Last evaluated: 2025-11-18. Review status: criteria provided, single submitter. Criteria: Invitae Variant Classification Sherloc (09022015). Collection method: clinical testing. Allele origin: germline.
Comment: This sequence change replaces glutamine, which is neutral and polar, with glutamic acid, which is acidic and polar, at codon 165 of the TRAP1 protein (p.Gln165Glu). This variant is present in population databases (rs151231225, gnomAD 0.1%), and has an allele count higher than expected for a pathogenic variant. This variant has not been reported in the literature in individuals affected with TRAP1-related conditions. ClinVar contains an entry for this variant (Variation ID: 2061107). Invitae Evidence Modeling of protein sequence and biophysical properties (such as structural, functional, and spatial information, amino acid conservation, physicochemical variation, residue mobility, and thermodynamic stability) indicates that this missense variant is not expected to disrupt TRAP1 protein function with a negative predictive value of 80%. In summary, the available evidence is currently insufficient to determine the role of this variant in disease. Therefore, it has been classified as a Variant of Uncertain Significance.